The following is an entry in ClinVar:

ClinVar aggregate classification (germline): Likely benign (1 of 4 stars; one submission).

Conditions:
Thyroid hormone resistance, generalized, autosomal dominant (GRTHD). Also called: HYPERTHYROXINEMIA, FAMILIAL EUTHYROID, SECONDARY TO PITUITARY AND PERIPHERAL RESISTANCE TO THYROID HORMONES. Identifiers: MedGen C2937288, MONDO:0008569, OMIM 188570.

Allele frequency attached by ClinVar (database versions not stated): gnomAD 0.00009 and 0.00015; TOPMed 0.00012; 1000 Genomes Project 0.00080; 1000 Genomes Project 30x 0.00094.

Submission:

Illumina Laboratory Services, Illumina
Classification: Likely benign for Thyroid hormone resistance, generalized, autosomal dominant. Last evaluated: 2018-01-12. Review status: criteria provided, single submitter. Criteria: ICSL Variant Classification Criteria 13 December 2019. Collection method: clinical testing. Allele origin: germline.
Comment: This variant was observed in the ICSL laboratory as part of a predisposition screen in an ostensibly healthy population. It had not been previously curated by ICSL or reported in the Human Gene Mutation Database (HGMD: prior to June 1st, 2018), and was therefore a candidate for classification through an automated scoring system. Utilizing variant allele frequency, disease prevalence and penetrance estimates, and inheritance mode, an automated score was calculated to assess if this variant is too frequent to cause the disease. Based on the score and internal cut-off values, a variant classified as likely benign is not then subjected to further curation. The score for this variant resulted in a classification of likely benign for this disease.

NM_001354712.2(THRB):c.*4714T>C

Gene: THRB (thyroid hormone receptor beta; minus strand). Cytogenetic location: 3p24.2.
Variant type: single nucleotide variant.
Coding change: c.*4714T>C on transcript NM_001354712.2 (MANE Select); 4714 bases downstream of the stop codon, T replaced by C.
Molecular consequence: 3 prime UTR variant.
Genome position (GRCh38, 1-based): chr3:24,118,170, A>G on the plus strand (T>C on the coding strand, the complement: THRB is on the minus strand). VCF-style: chr3-24118170-A-G. GRCh37 (hg19) VCF-style: chr3-24159661-A-G.
Other names: c.*4714T>C (NM_000461.5, NM_001128176.3, NM_001128177.2 and 14 more transcripts).
Identifiers: ClinVar variation 901612 (VCV000901612.4), dbSNP rs577889185, ClinGen allele CA71601589.